The following is an entry in ClinVar:

GRCh37/hg19 1p36.33-36.32(chr1:849466-4829059)x1

Genes: ACAP3 (ArfGAP with coiled-coil, ankyrin repeat and PH domains 3; minus strand), ACTRT2 (actin related protein T2; plus strand), AGRN (agrin; plus strand), AJAP1 (adherens junctions associated protein 1; plus strand), ANKRD65 (ankyrin repeat domain 65; minus strand) and 74 more. Cytogenetic location: 1p36.33-36.32.
Variant type: copy number loss.
Change: copy number 1 (one copy instead of two) of chr1:849,466-4,829,059 (3.98 Mb, GRCh37 coordinates, 1-based), cytogenetic band 1p36.33-36.32.
Identifiers: ClinVar variation 814048 (VCV000814048.2).

ClinVar aggregate classification (germline): Pathogenic (1 of 4 stars; one submission).

Submission:

Quest Diagnostics Nichols Institute San Juan Capistrano
Classification: Pathogenic. Last evaluated: 2024-10-08. Review status: criteria provided, single submitter. Criteria: ACMG/ClinGen CNV Guidelines, 2019. Collection method: clinical testing. Allele origin: unknown.
Comment: This 1p36.33p36.32 loss is within the distal portion of the region associated with 1p36 deletion syndrome (OMIM 607872) (Jacquin 2023, Jordan 2015, Shimada 2015). Therefore, based on current medical literature and gene content, this copy number variant (CNV) is classified as pathogenic. References: PMID: 19344873 Jacquin et al., Am J Med Genet A. 2023 Feb;191(2):445-458. PMID: 36369750 Jordan et al., Appl Clin Genet. 2015 Aug 27;8:189-200. PMID: 26345236 Shimada et al., Brain Dev. 2015 May;37(5):515-26. PMID: 25172301